The following is an entry in ClinVar:

NM_001291303.3(FAT4):c.10357G>A (p.Gly3453Ser)

Gene: FAT4 (FAT atypical cadherin 4; plus strand). Cytogenetic location: 4q28.1.
Variant type: single nucleotide variant.
Coding change: c.10357G>A on transcript NM_001291303.3 (MANE Select); coding-DNA position 10357, G replaced by A.
Protein change: p.Gly3453Ser; replaces glycine 3453 with serine.
Molecular consequence: missense variant.
Genome position (GRCh38, 1-based): chr4:125,451,367, G>A. VCF-style: chr4-125451367-G-A. GRCh37 (hg19) VCF-style: chr4-126372522-G-A.
Other names: c.10351G>A (NM_024582.4); c.10357G>A (NM_001291303.1); c.10357G>A, p.Gly3453Ser (NM_001291285.3); c.10351G>A, p.Gly3451Ser (NM_024582.6); short protein forms G3453S, G3451S.
Identifiers: ClinVar variation 1402100 (VCV001402100.29), dbSNP rs369887674, ClinGen allele CA3073677.
Genomic context (GRCh38, chr4:125,451,367, plus strand): 5'-TCAGACTCCATCCCCAGCTGGAGCAGGTTTTCTTACTTCATCGGATCAGGGAATGAAAAT[G>A]GTGCCTTTTCTATTAATCCGCAGACAGGACAGATCACCGTTACTGCAGAATTAGATCGAG-3'
Protein context (NP_001278232.1, residues 3443-3463): SYFIGSGNEN[Gly3453Ser]AFSINPQTGQ

ClinVar aggregate classification (germline): Uncertain significance. Review status: criteria provided, multiple submitters, no conflicts (2 of 4 stars). 5 submissions from 5 submitters: Uncertain significance (5). Last evaluated 2026-09-01.

Conditions:
Inborn genetic diseases. Identifiers: MedGen C0950123, MeSH D030342.
FAT4-related disorder. Also called: FAT4-related condition.

Allele frequency attached by ClinVar (database versions not stated): gnomAD exomes 0.00002; ExAC 0.00003; ESP Exome Variant Server 0.00008; 1000 Genomes Project 30x 0.00016; 1000 Genomes Project 0.00020.
gnomAD v4.1: 22 of 1,614,064 alleles (0.0014%); highest among the groups gnomAD compares: Non-Finnish European, 0.0016%; no homozygotes.

Submissions (5):

PreventionGenetics, part of Exact Sciences
Classification: Uncertain significance for FAT4-related condition. Last evaluated: 2026-09-01. Review status: criteria provided, single submitter. Criteria: ACMG Guidelines, 2015. Collection method: clinical testing. Allele origin: germline.
Comment: The FAT4 c.10351G>A variant is predicted to result in the amino acid substitution p.Gly3451Ser. To our knowledge, this variant has not been reported in the literature. This variant is reported in 0.0099% of alleles in individuals of Ashkenazi Jewish descent in gnomAD. At this time, the clinical significance of this variant is uncertain due to the absence of conclusive functional and genetic evidence.

Women's Health and Genetics/Laboratory Corporation of America, LabCorp
Classification: Uncertain significance. Last evaluated: 2025-12-23. Review status: criteria provided, single submitter. Criteria: LabCorp Variant Classification Summary - May 2015. Collection method: clinical testing. Allele origin: germline.
Comment: Variant summary: FAT4 c.10351G>A (p.Gly3451Ser) results in a non-conservative amino acid change in the encoded protein sequence. Algorithms developed to predict the effect of missense changes on protein structure and function are either unavailable or do not agree on the potential impact of this missense change. The variant allele was found at a frequency of 1.6e-05 in 250898 control chromosomes. The available data on variant occurrences in the general population are insufficient to allow any conclusion about variant significance. To our knowledge, no occurrence of c.10351G>A in individuals affected with FAT4-related conditions and no experimental evidence demonstrating its impact on protein function have been reported. ClinVar contains an entry for this variant (Variation ID: 1402100). Based on the evidence outlined above, the variant was classified as uncertain significance.

Labcorp Genetics (formerly Invitae), Labcorp
Classification: Uncertain significance. Last evaluated: 2024-06-26. Review status: criteria provided, single submitter. Criteria: Invitae Variant Classification Sherloc (09022015). Collection method: clinical testing. Allele origin: germline.
Comment: This sequence change replaces glycine, which is neutral and non-polar, with serine, which is neutral and polar, at codon 3451 of the FAT4 protein (p.Gly3451Ser). This variant is present in population databases (rs369887674, gnomAD 0.01%). This variant has not been reported in the literature in individuals affected with FAT4-related conditions. ClinVar contains an entry for this variant (Variation ID: 1402100). Advanced modeling of protein sequence and biophysical properties (such as structural, functional, and spatial information, amino acid conservation, physicochemical variation, residue mobility, and thermodynamic stability) performed at Invitae indicates that this missense variant is not expected to disrupt FAT4 protein function with a negative predictive value of 80%. In summary, the available evidence is currently insufficient to determine the role of this variant in disease. Therefore, it has been classified as a Variant of Uncertain Significance.

Ambry Genetics
Classification: Uncertain significance for Inborn genetic diseases. Last evaluated: 2024-04-23. Review status: criteria provided, single submitter. Criteria: Ambry Variant Classification Scheme 2023. Collection method: clinical testing. Allele origin: germline.

CeGaT Center for Human Genetics Tuebingen
Classification: Uncertain significance. Last evaluated: 2023-12-01. Review status: criteria provided, single submitter. Criteria: CeGaT Center For Human Genetics Tuebingen Variant Classification Criteria Version 2. Collection method: clinical testing. Allele origin: germline. Affected: yes. Observed: 1 variant allele.
Comment: FAT4: PM2, BP4